The following is an entry in ClinVar:

ClinVar aggregate classification (germline): Benign. Review status: criteria provided, multiple submitters, no conflicts (2 of 4 stars). 2 submissions from 2 submitters: Benign (2). Last evaluated 2018-06-18.

Allele frequency attached by ClinVar (database versions not stated): gnomAD exomes 0.40990; gnomAD 0.42948; TOPMed 0.43096; 1000 Genomes Project 0.43271; 1000 Genomes Project 30x 0.43535.
gnomAD v4.1: 131,144 of 314,862 alleles (42%); highest among the groups gnomAD compares: East Asian, 52%; 28,043 homozygotes.

Submissions (2):

GeneDx
Classification: Benign. Last evaluated: 2018-06-18. Review status: criteria provided, single submitter. Criteria: GeneDx Variant Classification (06012015). Collection method: clinical testing. Allele origin: germline. Affected: yes.
Comment: This variant is considered likely benign or benign based on one or more of the following criteria: it is a conservative change, it occurs at a poorly conserved position in the protein, it is predicted to be benign by multiple in silico algorithms, and/or has population frequency not consistent with disease.

Breakthrough Genomics
Classification: Benign. Review status: criteria provided, single submitter. Criteria: ACMG Guidelines, 2015. Collection method: not provided. Allele origin: germline. Inheritance: Autosomal dominant inheritance. Affected: yes.

NM_001040142.2(SCN2A):c.3849+298A>G

Gene: SCN2A (sodium voltage-gated channel alpha subunit 2; plus strand). Cytogenetic location: 2q24.3.
Variant type: single nucleotide variant.
Coding change: c.3849+298A>G on transcript NM_001040142.2 (MANE Select); 298 bases into the intron after coding-DNA position 3849, A replaced by G.
Molecular consequence: intron variant.
Genome position (GRCh38, 1-based): chr2:165,370,597, A>G. VCF-style: chr2-165370597-A-G. GRCh37 (hg19) VCF-style: chr2-166227107-A-G.
Other names: c.3849+298A>G (NM_001040143.2, NM_001371246.1, NM_001371247.1 and 1 more transcripts).
Identifiers: ClinVar variation 684249 (VCV000684249.2), dbSNP rs1469649, ClinGen allele CA11305122.